The following is an entry in ClinVar:

NM_001453.3(FOXC1):c.1336C>G (p.His446Asp)

Gene: FOXC1 (forkhead box C1; plus strand). Cytogenetic location: 6p25.3.
Variant type: single nucleotide variant.
Coding change: c.1336C>G on transcript NM_001453.3 (MANE Select); coding-DNA position 1336, C replaced by G.
Protein change: p.His446Asp; replaces histidine 446 with aspartic acid.
Molecular consequence: missense variant.
Genome position (GRCh38, 1-based): chr6:1,611,781, C>G. VCF-style: chr6-1611781-C-G. GRCh37 (hg19) VCF-style: chr6-1612016-C-G.
Other names: short protein forms H446D.
Identifiers: ClinVar variation 1348246 (VCV001348246.8), dbSNP rs2113114444, ClinGen allele CA362560707.

ClinVar aggregate classification (germline): Uncertain significance (1 of 4 stars; one submission).

Conditions:
Axenfeld-Rieger syndrome type 3 (RIEG3). Also called: AXENFELD-RIEGER ANOMALY WITH CARDIAC DEFECTS AND/OR SENSORINEURAL HEARING LOSS. Identifiers: Orphanet 782, MedGen C2678503, MONDO:0011233, OMIM 602482.

Submission:

Labcorp Genetics (formerly Invitae), Labcorp
Classification: Uncertain significance for Axenfeld-Rieger syndrome type 3. Last evaluated: 2021-04-23. Review status: criteria provided, single submitter. Criteria: Invitae Variant Classification Sherloc (09022015). Collection method: clinical testing. Allele origin: germline.
Comment: This sequence change replaces histidine with aspartic acid at codon 446 of the FOXC1 protein (p.His446Asp). The histidine residue is moderately conserved and there is a moderate physicochemical difference between histidine and aspartic acid. The frequency data for this variant in the population databases is considered unreliable, as metrics indicate insufficient coverage at this position in the ExAC database. This variant has not been reported in the literature in individuals with FOXC1-related conditions. Algorithms developed to predict the effect of missense changes on protein structure and function are either unavailable or do not agree on the potential impact of this missense change (SIFT: "Deleterious"; PolyPhen-2: "Possibly Damaging"; Align-GVGD: "Class C0"). In summary, the available evidence is currently insufficient to determine the role of this variant in disease. Therefore, it has been classified as a Variant of Uncertain Significance.